The following is an entry in ClinVar:

ClinVar aggregate classification (germline): Uncertain significance (1 of 4 stars; one submission).

Conditions:
Hereditary cancer-predisposing syndrome. Also called: Hereditary Cancer Syndrome; Tumor predisposition; Hereditary neoplastic syndrome; Neoplastic Syndromes, Hereditary. Identifiers: Orphanet 140162, MedGen C0027672, MeSH D009386, MONDO:0015356.

gnomAD v4.1: 1 of 1,613,346 alleles (0.000062%); highest among the groups gnomAD compares: East Asian, 0.0022%; no homozygotes.

Submission:

Ambry Genetics
Classification: Uncertain significance for Hereditary cancer-predisposing syndrome. Last evaluated: 2024-04-08. Review status: criteria provided, single submitter. Criteria: Ambry Variant Classification Scheme 2023. Collection method: clinical testing. Allele origin: germline.
Comment: The p.I258T variant (also known as c.773T>C), located in coding exon 5 of the CHEK2 gene, results from a T to C substitution at nucleotide position 773. The isoleucine at codon 258 is replaced by threonine, an amino acid with similar properties. This amino acid position is conserved. In addition, the in silico prediction for this alteration is inconclusive. Based on the available evidence, the clinical significance of this variant remains unclear.

NM_007194.4(CHEK2):c.773T>C (p.Ile258Thr)

Gene: CHEK2 (checkpoint kinase 2; minus strand). Cytogenetic location: 22q12.1.
Variant type: single nucleotide variant.
Coding change: c.773T>C on transcript NM_007194.4 (MANE Select); coding-DNA position 773, T replaced by C.
Protein change: p.Ile258Thr; replaces isoleucine 258 with threonine.
Molecular consequence: missense variant.
Genome position (GRCh38, 1-based): chr22:28,711,928, A>G on the plus strand (T>C on the coding strand, the complement: CHEK2 is on the minus strand). VCF-style: chr22-28711928-A-G. GRCh37 (hg19) VCF-style: chr22-29107916-A-G.
Other names: c.902T>C, p.Ile301Thr (NM_001005735.3); c.110T>C, p.Ile37Thr (NM_001257387.3); c.572T>C, p.Ile191Thr (NM_001349956.3); c.773T>C, p.Ile258Thr (NM_145862.3); short protein forms I191T, I301T, I37T, I258T.
Identifiers: ClinVar variation 3266954 (VCV003266954.1).
Genomic context (GRCh38, chr22:28,711,928, plus strand): 5'-ACGTGTTAATAAAAGGTGATCAGCCTTTTATTGGTACTTACTGCCTCTCTTGCTGAACCA[A>G]TAGCAAACTTCCTTTTGCTGATGATCTTTATGGCTACTTTCTTACATGTTTTCCTCTCGA-3'
Protein context (NP_009125.1, residues 248-268): IKIISKRKFA[Ile258Thr]GSAREADPAL